The following is an entry in ClinVar:

ClinVar aggregate classification (germline): Benign (1 of 4 stars; one submission).

Conditions:
Amyotrophic neuralgia (HNA). Also called: AMYOTROPHY, HEREDITARY NEURALGIC; Hereditary Brachial Plexus Neuropathy; Neuritis with Brachial Predilection; AMYOTROPHY, HEREDITARY NEURALGIC, WITH PREDILECTION FOR BRACHIAL PLEXUS. Identifiers: Orphanet 2901, MedGen C1834304, MONDO:0008076, OMIM 162100.

Allele frequency attached by ClinVar (database versions not stated): gnomAD 0.00001 and 0.00009; TOPMed 0.00002; 1000 Genomes Project 0.00060; 1000 Genomes Project 30x 0.00078.
gnomAD v4.1: 117 of 1,332,520 alleles (0.0088%); highest among the groups gnomAD compares: South Asian, 0.18%; no homozygotes.

Submission:

Illumina Laboratory Services, Illumina
Classification: Benign for Amyotrophy, hereditary neuralgic. Last evaluated: 2018-01-12. Review status: criteria provided, single submitter. Criteria: ICSL Variant Classification Criteria 13 December 2019. Collection method: clinical testing. Allele origin: germline.
Comment: This variant was observed in the ICSL laboratory as part of a predisposition screen in an ostensibly healthy population. It had not been previously curated by ICSL or reported in the Human Gene Mutation Database (HGMD: prior to June 1st, 2018), and was therefore a candidate for classification through an automated scoring system. Utilizing variant allele frequency, disease prevalence and penetrance estimates, and inheritance mode, an automated score was calculated to assess if this variant is too frequent to cause the disease. Based on the score and internal cut-off values, a variant classified as benign is not then subjected to further curation. The score for this variant resulted in a classification of benign for this disease.

NM_001113491.2(SEPTIN9):c.76+12824C>T

Gene: SEPTIN9 (septin 9; plus strand). Cytogenetic location: 17q25.3.
Variant type: single nucleotide variant.
Coding change: c.76+12824C>T on transcript NM_001113491.2 (MANE Select); 12824 bases into the intron after coding-DNA position 76, C replaced by T.
Molecular consequence: intron variant. On other transcripts: 5 prime UTR variant (1).
Genome position (GRCh38, 1-based): chr17:77,320,021, C>T. VCF-style: chr17-77320021-C-T. GRCh37 (hg19) VCF-style: chr17-75316103-C-T.
Other names: c.-306C>T (NM_006640.5); c.19+38467C>T (NM_001293695.2); c.-417+12824C>T (NM_001113492.2).
Identifiers: ClinVar variation 325534 (VCV000325534.5), dbSNP rs530024170, ClinGen allele CA10650297.